The following is an entry in ClinVar:

ClinVar aggregate classification (germline): Pathogenic (1 of 4 stars; one submission).

Conditions:
Imerslund-Grasbeck syndrome. Also called: Megaloblastic anemia due to inborn errors of metabolism; ENTEROCYTE COBALAMIN MALABSORPTION; ENTEROCYTE INTRINSIC FACTOR RECEPTOR, DEFECT OF; Imerslund-Gräsbeck syndrome; PERNICIOUS ANEMIA, JUVENILE, DUE TO SELECTIVE INTESTINAL MALABSORPTION OF VITAMIN B12, WITH PROTEINURIA. Identifiers: Orphanet 35858, MedGen C4551825, MONDO:0009853.

Allele frequency attached by ClinVar (database versions not stated): TOPMed below 0.00001; gnomAD 0.00001.
gnomAD v4.1: 13 of 1,613,782 alleles (0.00081%); highest among the groups gnomAD compares: Non-Finnish European, 0.0011%; no homozygotes.

Submission:

Labcorp Genetics (formerly Invitae), Labcorp
Classification: Pathogenic for Imerslund-Grasbeck syndrome. Last evaluated: 2023-12-25. Review status: criteria provided, single submitter. Criteria: Invitae Variant Classification Sherloc (09022015). Collection method: clinical testing. Allele origin: germline.
Comment: This sequence change creates a premature translational stop signal (p.Ser3507*) in the CUBN gene. It is expected to result in an absent or disrupted protein product. Loss-of-function variants in CUBN are known to be pathogenic (PMID: 15024727, 22929189, 25349199, 31613795, 34979989). This variant is not present in population databases (gnomAD no frequency). This variant has not been reported in the literature in individuals affected with CUBN-related conditions. For these reasons, this variant has been classified as Pathogenic.

Literature cited by the submitters: PubMed 15024727; PubMed 22929189; PubMed 25349199; PubMed 31613795; PubMed 34979989.

NM_001081.4(CUBN):c.10520C>A (p.Ser3507Ter)

Gene: CUBN (cubilin; minus strand). Cytogenetic location: 10p13.
Variant type: single nucleotide variant.
Coding change: c.10520C>A on transcript NM_001081.4 (MANE Select); coding-DNA position 10520, C replaced by A.
Protein change: p.Ser3507Ter; replaces serine 3507 with a stop codon.
Molecular consequence: nonsense.
Genome position (GRCh38, 1-based): chr10:16,831,260, G>T on the plus strand (C>A on the coding strand, the complement: CUBN is on the minus strand). VCF-style: chr10-16831260-G-T. GRCh37 (hg19) VCF-style: chr10-16873259-G-T.
Other names: short protein forms S3507*.
Identifiers: ClinVar variation 2718935 (VCV002718935.3), dbSNP rs1237603270, ClinGen allele CA376120431.
Genomic context (GRCh38, chr10:16,831,260, plus strand): 5'-CACCTCATGTTTTTCTCACAGTGCTTTCCTGTACAAAGTGCAAATGTCTTACCAGAGGGT[G>T]ATGAAGTCCAGATGATTTCATATCCACGATCAGAAGTTACACTATCACTCTTAAATCGTA-3'